The following is an entry in ClinVar:

NM_023110.3(FGFR1):c.*2188T>C

Genes: FGFR1 (fibroblast growth factor receptor 1; minus strand), LOC102723716 (uncharacterized LOC102723716; minus strand). Cytogenetic location: 8p11.23.
Variant type: single nucleotide variant.
Coding change: c.*2188T>C on transcript NM_023110.3 (MANE Select); 2188 bases downstream of the stop codon, T replaced by C.
Molecular consequence: 3 prime UTR variant.
Genome position (GRCh38, 1-based): chr8:38,411,440, A>G on the plus strand (T>C on the coding strand, the complement: FGFR1 is on the minus strand). VCF-style: chr8-38411440-A-G. GRCh37 (hg19) VCF-style: chr8-38268958-A-G.
Other names: c.*2188T>C (NM_001174063.2, NM_001174064.2, NM_001174065.2 and 6 more transcripts); c.*949T>C (NM_001354367.2, NM_001354369.2, NM_001354370.2).
Identifiers: ClinVar variation 362857 (VCV000362857.6), dbSNP rs146463691, ClinGen allele CA10627709.

ClinVar aggregate classification (germline): Benign/Likely benign. Review status: criteria provided, multiple submitters, no conflicts (2 of 4 stars). 5 submissions from 2 submitters: Benign (4); Likely benign (1). Last evaluated 2021-10-09.

Conditions:
Osteoglophonic dysplasia (OGD). Also called: Osteoglophonic dwarfism. Identifiers: Orphanet 2645, MedGen C0432283, MONDO:0008150, OMIM 166250.
Trigonocephaly 1 (TRIGNO1). Identifiers: Orphanet 3366, MedGen C0432122, MONDO:0008603, OMIM 190440.
Hypogonadotropic hypogonadism 2 with or without anosmia (HH2). Also called: HYPOGONADOTROPIC HYPOGONADISM 2 WITH OR WITHOUT ANOSMIA, SUSCEPTIBILITY TO; HYPOGONADOTROPIC HYPOGONADISM 2 WITHOUT ANOSMIA, SUSCEPTIBILITY TO; FGFR1-Related GnRH Deficiency (Kallmann Syndrome 2); HYPOGONADOTROPIC HYPOGONADISM 2 WITHOUT ANOSMIA. Identifiers: Orphanet 478, MedGen C1563720, MONDO:0007844, OMIM 147950. Disease mechanism: loss of function.
Craniosynostosis syndrome. Also called: Craniosynostosis. Identifiers: Orphanet 1531, MedGen C0010278, MeSH D003398, MONDO:0015469, HP:0001363.

Allele frequency attached by ClinVar (database versions not stated): gnomAD exomes 0.00062; gnomAD 0.00388 and 0.00411; TOPMed 0.00411; 1000 Genomes Project 0.00519; 1000 Genomes Project 30x 0.00656.
gnomAD v4.1: 631 of 224,840 alleles (0.28%); highest among the groups gnomAD compares: African/African-American, 1.3%; 5 homozygotes.

Submissions (5):

GeneDx
Classification: Likely benign. Last evaluated: 2021-10-09. Review status: criteria provided, single submitter. Criteria: GeneDx Variant Classification Process June 2021. Collection method: clinical testing. Allele origin: germline. Affected: yes.

Illumina Laboratory Services, Illumina
Classification: Benign for Craniosynostosis. Last evaluated: 2018-01-12. Review status: criteria provided, single submitter. Criteria: ICSL Variant Classification Criteria 13 December 2019. Collection method: clinical testing. Allele origin: germline.
Comment: This variant was observed in the ICSL laboratory as part of a predisposition screen in an ostensibly healthy population. It had not been previously curated by ICSL or reported in the Human Gene Mutation Database (HGMD: prior to June 1st, 2018), and was therefore a candidate for classification through an automated scoring system. Utilizing variant allele frequency, disease prevalence and penetrance estimates, and inheritance mode, an automated score was calculated to assess if this variant is too frequent to cause the disease. Based on the score and internal cut-off values, a variant classified as benign is not then subjected to further curation. The score for this variant resulted in a classification of benign for this disease.

Illumina Laboratory Services, Illumina
Classification: Benign for Hypogonadotropic hypogonadism 2 with or without anosmia. Last evaluated: 2018-01-12. Review status: criteria provided, single submitter. Criteria: ICSL Variant Classification Criteria 13 December 2019. Collection method: clinical testing. Allele origin: germline.
Comment: the same text as in the submission from Illumina Laboratory Services, Illumina above.

Illumina Laboratory Services, Illumina
Classification: Benign for Trigonocephaly 1. Last evaluated: 2018-01-12. Review status: criteria provided, single submitter. Criteria: ICSL Variant Classification Criteria 13 December 2019. Collection method: clinical testing. Allele origin: germline.
Comment: the same text as in the submission from Illumina Laboratory Services, Illumina above.

Illumina Laboratory Services, Illumina
Classification: Benign for Osteoglophonic dysplasia. Last evaluated: 2018-01-12. Review status: criteria provided, single submitter. Criteria: ICSL Variant Classification Criteria 13 December 2019. Collection method: clinical testing. Allele origin: germline.
Comment: the same text as in the submission from Illumina Laboratory Services, Illumina above.